The following is an entry in ClinVar:

ClinVar aggregate classification (germline): Benign/Likely benign. Review status: criteria provided, multiple submitters, no conflicts (2 of 4 stars). 5 submissions from 5 submitters: Benign (4); Likely benign (1). Last evaluated 2025-12-02.

Allele frequency attached by ClinVar (database versions not stated): gnomAD exomes 0.00039 and 0.00115; ExAC 0.00149; 1000 Genomes Project 30x 0.00234; 1000 Genomes Project 0.00240; gnomAD 0.00361 and 0.00385; TOPMed 0.00411; ESP Exome Variant Server 0.00434.
gnomAD v4.1: 1,146 of 1,602,128 alleles (0.072%); highest among the groups gnomAD compares: African/African-American, 1.1%; 4 homozygotes.

Submissions (5):

Labcorp Genetics (formerly Invitae), Labcorp
Classification: Benign. Last evaluated: 2025-12-02. Review status: criteria provided, single submitter. Criteria: Invitae Variant Classification Sherloc (09022015). Collection method: clinical testing. Allele origin: germline.

Mayo Clinic Laboratories, Mayo Clinic
Classification: Likely benign. Last evaluated: 2025-03-03. Review status: criteria provided, single submitter. Criteria: ACMG Guidelines, 2015. Collection method: clinical testing. Allele origin: germline. Observed: 1 variant allele.
Comment: BS1, BP4_moderate

CeGaT Center for Human Genetics Tuebingen
Classification: Benign. Last evaluated: 2024-12-01. Review status: criteria provided, single submitter. Criteria: CeGaT Center For Human Genetics Tuebingen Variant Classification Criteria Version 2. Collection method: clinical testing. Allele origin: germline. Affected: yes. Observed: 1 variant allele.
Comment: LAMA5: BP4, BS1, BS2

Mendelics
Classification: Benign. Last evaluated: 2022-05-04. Review status: criteria provided, single submitter. Criteria: Mendelics Assertion Criteria 2019. Collection method: clinical testing. Allele origin: germline.

Breakthrough Genomics
Classification: Benign. Review status: criteria provided, single submitter. Criteria: ACMG Guidelines, 2015. Collection method: not provided. Allele origin: germline. Inheritance: Autosomal recessive inheritance. Affected: yes.

Literature cited by the submitters: PubMed 24130771 (cited by Mayo Clinic Laboratories, Mayo Clinic); PubMed 34426522 (cited by Mayo Clinic Laboratories, Mayo Clinic).

NM_005560.6(LAMA5):c.7318G>A (p.Val2440Ile)

Gene: LAMA5 (laminin subunit alpha 5; minus strand). Cytogenetic location: 20q13.33.
Variant type: single nucleotide variant.
Coding change: c.7318G>A on transcript NM_005560.6 (MANE Select); coding-DNA position 7318, G replaced by A.
Protein change: p.Val2440Ile; replaces valine 2440 with isoleucine.
Molecular consequence: missense variant.
Genome position (GRCh38, 1-based): chr20:62,317,700, C>T on the plus strand (G>A on the coding strand, the complement: LAMA5 is on the minus strand). VCF-style: chr20-62317700-C-T. GRCh37 (hg19) VCF-style: chr20-60892756-C-T.
Other names: p.Val2440Ile; short protein forms V2440I.
Identifiers: ClinVar variation 1533985 (VCV001533985.24), dbSNP rs150724688, ClinGen allele CA9941295.